The following is an entry in ClinVar:

ClinVar aggregate classification (germline): Uncertain significance. Review status: criteria provided, multiple submitters, no conflicts (2 of 4 stars). 3 submissions from 3 submitters: Uncertain significance (3). Last evaluated 2026-05-12.

Conditions:
Senior-Loken syndrome 7 (SLSN7). Identifiers: Orphanet 3156, MedGen C3150877, MONDO:0013326, OMIM 613615.
Bardet-Biedl syndrome 16 (BBS16). Identifiers: Orphanet 110, MedGen C3889474, MONDO:0014444, OMIM 615993.
SDCCAG8-related disorder. Also called: SDCCAG8-Related Disorders; SDCCAG8-related condition.

Allele frequency attached by ClinVar (database versions not stated): gnomAD exomes below 0.00001 and 0.00001; TOPMed below 0.00001; gnomAD 0.00001.
gnomAD v4.1: 11 of 1,613,972 alleles (0.00068%); highest among the groups gnomAD compares: Non-Finnish European, 0.00093%; no homozygotes.

Submissions (3):

PreventionGenetics, part of Exact Sciences
Classification: Uncertain significance for SDCCAG8-related condition. Last evaluated: 2026-05-12. Review status: criteria provided, single submitter. Criteria: ACMG Guidelines, 2015. Collection method: clinical testing. Allele origin: germline.
Comment: The SDCCAG8 c.1297A>G variant is predicted to result in the amino acid substitution p.Ile433Val. To our knowledge, this variant has not been reported in the literature. This variant is reported in 0.00088% of alleles in individuals of European (Non-Finnish) descent in gnomAD. At this time, the clinical significance of this variant is uncertain due to the absence of conclusive functional and genetic evidence.

Fulgent Genetics
Classification: Uncertain significance for Senior-Loken syndrome 7; Bardet-Biedl syndrome 16. Last evaluated: 2021-10-15. Review status: criteria provided, single submitter. Criteria: ACMG Guidelines, 2015. Collection method: clinical testing. Allele origin: unknown.

Labcorp Genetics (formerly Invitae), Labcorp
Classification: Uncertain significance for Bardet-Biedl syndrome 16; Senior-Loken syndrome 7. Last evaluated: 2021-03-24. Review status: criteria provided, single submitter. Criteria: Invitae Variant Classification Sherloc (09022015). Collection method: clinical testing. Allele origin: germline.
Comment: In summary, the available evidence is currently insufficient to determine the role of this variant in disease. Therefore, it has been classified as a Variant of Uncertain Significance. Algorithms developed to predict the effect of missense changes on protein structure and function output the following: SIFT: "Tolerated"; PolyPhen-2: "Benign"; Align-GVGD: "Class C0". The valine amino acid residue is found in multiple mammalian species, suggesting that this missense change does not adversely affect protein function. These predictions have not been confirmed by published functional studies and their clinical significance is uncertain. This variant has not been reported in the literature in individuals with SDCCAG8-related conditions. This variant is not present in population databases (ExAC no frequency). This sequence change replaces isoleucine with valine at codon 433 of the SDCCAG8 protein (p.Ile433Val). The isoleucine residue is weakly conserved and there is a small physicochemical difference between isoleucine and valine.

NM_006642.5(SDCCAG8):c.1297A>G (p.Ile433Val)

Gene: SDCCAG8 (SHH signaling and ciliogenesis regulator SDCCAG8; plus strand). Cytogenetic location: 1q43.
Variant type: single nucleotide variant.
Coding change: c.1297A>G on transcript NM_006642.5 (MANE Select); coding-DNA position 1297, A replaced by G.
Protein change: p.Ile433Val; replaces isoleucine 433 with valine.
Molecular consequence: missense variant.
Genome position (GRCh38, 1-based): chr1:243,341,114, A>G. VCF-style: chr1-243341114-A-G. GRCh37 (hg19) VCF-style: chr1-243504416-A-G.
Other names: c.1297A>G (NM_006642.3); c.394A>G, p.Ile132Val (NM_001350246.2, NM_001350247.2, NM_001350251.2); c.1393A>G, p.Ile465Val (NM_001350248.2); c.1003A>G, p.Ile335Val (NM_001350249.2); short protein forms I132V, I335V, I433V, I465V.
Identifiers: ClinVar variation 1415176 (VCV001415176.10), dbSNP rs769796315, ClinGen allele CA40430720.